The following is an entry in ClinVar:

NM_007294.4(BRCA1):c.4391del (p.Pro1464fs)

Gene: BRCA1 (BRCA1 DNA repair associated; minus strand). Cytogenetic location: 17q21.31.
Variant type: Deletion.
Coding change: c.4391del on transcript NM_007294.4 (MANE Select); coding-DNA position 4391, one base deleted (C; older notation c.4391delC).
Protein change: p.Pro1464fs; shifts the reading frame from proline 1464.
Molecular consequence: frameshift variant. On other transcripts: non-coding transcript variant (1).
Genome position (GRCh38, 1-based): chr17:43,076,581, G deleted on the plus strand (C on the coding strand, the reverse complement: BRCA1 is on the minus strand); the first of 3 consecutive G bases (chr17:43,076,581-43,076,583); deleting any one gives the same sequence. VCF-style (leftmost placement, unchanged base first): chr17-43076580-AG-A. GRCh37 (hg19) VCF-style: chr17-41228597-AG-A.
Other names: 4510delC; c.4391delC (NM_007294.3); c.4242delC, p.Pro1415Leufs (NM_001407848.1, NM_001407849.1, NM_001407850.1 and 12 more transcripts); c.4389delC, p.Pro1464Leufs (NM_001407854.1, NM_001407593.1, NM_001407594.1 and 8 more transcripts); c.4386delC, p.Pro1463Leufs (NM_001407858.1, NM_001407859.1, NM_001407860.1 and 17 more transcripts); c.4383delC, p.Pro1462Leufs (NM_001407861.1, NM_001407627.1, NM_001407628.1 and 14 more transcripts); c.4188delC, p.Pro1397Leufs (NM_001407862.1); c.4263delC, p.Pro1422Leufs (NM_001407863.1, NM_001407939.1, NM_001407940.1 and 11 more transcripts); and 73 more; short protein forms P1417fs, P1464fs, P1485fs, P360fs.
Identifiers: ClinVar variation 37589 (VCV000037589.20), dbSNP rs80357916, ClinGen allele CA002818.

ClinVar aggregate classification (germline): Pathogenic. Review status: reviewed by expert panel (3 of 4 stars). 10 submissions from 10 submitters: Pathogenic (1). 9 of the submissions do not count toward it. Last evaluated 2016-09-08.

Conditions:
Hereditary cancer-predisposing syndrome. Also called: Tumor predisposition; Neoplastic Syndromes, Hereditary; Hereditary Cancer Syndrome; Hereditary neoplastic syndrome. Identifiers: Orphanet 140162, MedGen C0027672, MeSH D009386, MONDO:0015356.
Hereditary breast ovarian cancer syndrome. Also called: Hereditary breast and ovarian cancer syndrome (HBOC); Hereditary breast and ovarian cancer syndrome; Hereditary breast and ovarian cancer; Hereditary breast and/or ovarian cancer syndrome; Breast and ovarian cancer; BRCA1- and BRCA2-Associated Hereditary Breast and Ovarian Cancer. Identifiers: Orphanet 145, MedGen C0677776, MeSH D061325, MONDO:0003582. Disease mechanism: loss of function.
Breast-ovarian cancer, familial, susceptibility to, 1 (BROVCA1). Also called: OVARIAN CANCER, SUSCEPTIBILITY TO; BRCA1 Hereditary Breast and Ovarian Cancer. Identifiers: Orphanet 145, MedGen C2676676, MONDO:0011450, OMIM 604370. Disease mechanism: loss of function.

Submissions (10):

Evidence-based Network for the Interpretation of Germline Mutant Alleles (ENIGMA)
Classification: Pathogenic for Breast-ovarian cancer, familial, susceptibility to, 1. Last evaluated: 2016-09-08. Review status: reviewed by expert panel. Criteria: ENIGMA BRCA1/2 Classification Criteria (2015). Collection method: curation. Allele origin: germline.
Comment: Variant allele predicted to encode a truncated non-functional protein.

Ambry Genetics
Classification: Pathogenic for Hereditary cancer-predisposing syndrome. Last evaluated: 2024-03-27. Review status: criteria provided, single submitter. Criteria: Ambry Variant Classification Scheme 2023. Collection method: clinical testing. Allele origin: germline. Not counted in ClinVar's aggregate classification.
Comment: The c.4391delC pathogenic mutation, located in coding exon 12 of the BRCA1 gene, results from a deletion of one nucleotide at nucleotide position 4391, causing a translational frameshift with a predicted alternate stop codon (p.P1464Lfs*2). This mutation has been reported in individuals with breast cancer, triple negative breast cancer and fallopian tube cancer (Yazici H et al. Br. J. Cancer 2000 Sep;83:737-42; Laki F et al. Cancer 2007 May;109:1784-90; Vincent-Salomon A et al. Cancer Res. 2007 Jun;67:5134-40; Davies H et al. Nat. Med. 2017 Apr;23:517-525). Of note, this alteration is also designated as 4508delC and c.4389delC in published literature. In addition to the clinical data presented in the literature, this alteration is expected to result in loss of function by premature protein truncation or nonsense-mediated mRNA decay. As such, this alteration is interpreted as a disease-causing mutation.

Labcorp Genetics (formerly Invitae), Labcorp
Classification: Pathogenic for Hereditary breast ovarian cancer syndrome. Last evaluated: 2022-07-10. Review status: criteria provided, single submitter. Criteria: Invitae Variant Classification Sherloc (09022015). Collection method: clinical testing. Allele origin: germline. Not counted in ClinVar's aggregate classification.
Comment: This variant is also known as 4508delC. For these reasons, this variant has been classified as Pathogenic. ClinVar contains an entry for this variant (Variation ID: 37589). This premature translational stop signal has been observed in individual(s) with personal and family history of breast and/or ovarian cancer (PMID: 10952777, 31954625, 32341426). This variant is not present in population databases (gnomAD no frequency). This sequence change creates a premature translational stop signal (p.Pro1464Leufs*2) in the BRCA1 gene. It is expected to result in an absent or disrupted protein product. Loss-of-function variants in BRCA1 are known to be pathogenic (PMID: 20104584).

Quest Diagnostics Nichols Institute San Juan Capistrano
Classification: Pathogenic. Last evaluated: 2020-04-16. Review status: criteria provided, single submitter. Criteria: Quest Diagnostics criteria. Collection method: clinical testing. Allele origin: unknown. Not counted in ClinVar's aggregate classification.
Comment: The variant results in a shift of the reading frame, and is therefore predicted to result in the loss of a functional protein. Found in at least one patient with expected phenotype for this gene, and not found in general population data.

Color Diagnostics, LLC DBA Color Health
Classification: Pathogenic for Hereditary cancer-predisposing syndrome. Last evaluated: 2020-02-12. Review status: criteria provided, single submitter. Criteria: ACMG Guidelines, 2015. Collection method: clinical testing. Allele origin: germline. Not counted in ClinVar's aggregate classification.
Comment: This variant deletes 1 nucleotide in exon 13 of the BRCA1 gene, creating a frameshift and premature translation stop signal. This variant is expected to result in an absent or non-functional protein product. Splice site prediction tools suggest that this variant may not impact RNA splicing. To our knowledge, functional studies have not been performed for this variant. This variant has been reported in an individual affected with breast cancer (PMID: 15887246). This variant has not been identified in the general population by the Genome Aggregation Database (gnomAD). Loss of BRCA1 function is a known mechanism of disease. Based on the available evidence, this variant is classified as Pathogenic.

Consortium of Investigators of Modifiers of BRCA1/2 (CIMBA), c/o University of Cambridge
Classification: Pathogenic for Breast-ovarian cancer, familial, susceptibility to, 1. Last evaluated: 2015-10-02. Review status: criteria provided, single submitter. Criteria: CIMBA Mutation Classification guidelines May 2016. Collection method: clinical testing. Allele origin: germline. Not counted in ClinVar's aggregate classification.

BRCAlab, Lund University
Classification: Pathogenic for Breast-ovarian cancer, familial, susceptibility to, 1. Last evaluated: 2020-03-02. Review status: no assertion criteria provided. Collection method: clinical testing. Allele origin: germline. Affected: yes. Not counted in ClinVar's aggregate classification.

Sharing Clinical Reports Project (SCRP)
Classification: Pathogenic for Breast-ovarian cancer, familial 1. Last evaluated: 2009-08-18. Review status: no assertion criteria provided. Collection method: clinical testing. Allele origin: germline. Not counted in ClinVar's aggregate classification.

Breast Cancer Information Core (BIC) (BRCA1)
Classification: Pathogenic for Breast-ovarian cancer, familial 1. Last evaluated: 2003-12-23. Review status: no assertion criteria provided. Collection method: clinical testing. Allele origin: germline. Affected: yes. Observed: 1 variant allele. Not counted in ClinVar's aggregate classification.

Department of Pathology and Laboratory Medicine, Sinai Health System
Classification: Pathogenic. Review status: no assertion criteria provided. Collection method: clinical testing. Allele origin: unknown. Affected: yes. Study: The Canadian Open Genetics Repository (COGR). Not counted in ClinVar's aggregate classification.
Comment: The BRCA1 p.Pro1464LeufsX2 variant was identified in 1 of 106 proband chromosomes (frequency: 0.009) from individuals or families with breast and ovarian cancer of Turkish ethnicity (Yazici 2000). The variant was also identified in dbSNP (ID: rs80357916) as with pathogenic allele: in the ClinVar and Clinvitae databases as pathogenic by ENIGMA, Consortium of Investigators of Modifiers of BRCA1/2, Sharing Clinical Reports Project and Breast Cancer Information Core. The variant was further identified in LOVD 3.0 database 2X with variant allele predicted to encode truncated non-functional protein; in UMD-LSDB database 15X with biological significance and a classification of class 5; in BIC Database 1X with clinical importance, class 5; and in ARUP Laboratories as definitely pathogenic. The variant was not identified in GeneInsight-COGR, Cosmic, MutDB, Zhejiang Colon Cancer Database, databases. The variant was not identified in the following control databases: the 1000 Genomes Project, the NHLBI GO Exome Sequencing Project, and the Exome Aggregation Consortium (August 8th 2016), or the Genome Aggregation Database (Feb 27, 2017). The c.4391del variant is predicted to cause a frameshift, which alters the protein's amino acid sequence beginning at codon 1464 and leads to a premature stop codon at position 1465. This alteration is then predicted to result in a truncated or absent protein and loss of function. Loss of function variants of the BRCA1 gene are an established mechanism of disease in breast and ovarian cancer and is the type of variant expected to cause the disorder. In summary, based on the above information, this variant meets our laboratoryâ€šÃ„Ã´s criteria to be classified as pathogenic.

Literature cited by the submitters: PubMed 10952777 (cited by Ambry Genetics and Labcorp Genetics (formerly Invitae), Labcorp); PubMed 17351952 (cited by Ambry Genetics); PubMed 17545591 (cited by Ambry Genetics); PubMed 28288110 (cited by Ambry Genetics); PubMed 31954625 (cited by Labcorp Genetics (formerly Invitae), Labcorp and Quest Diagnostics Nichols Institute San Juan Capistrano); PubMed 32341426 (cited by Labcorp Genetics (formerly Invitae), Labcorp); PubMed 20104584 (cited by Labcorp Genetics (formerly Invitae), Labcorp); PubMed 29310832 (cited by Quest Diagnostics Nichols Institute San Juan Capistrano).